The following is an entry in ClinVar:

ClinVar aggregate classification (germline): Likely benign. Review status: criteria provided, single submitter (1 of 4 stars). 2 submissions from 2 submitters: Likely benign (1). 1 of the submissions does not count toward it. Last evaluated 2023-03-01.

Conditions:
CRIM1-related disorder. Also called: CRIM1-related condition.

Allele frequency attached by ClinVar (database versions not stated): 1000 Genomes Project 0.00120; 1000 Genomes Project 30x 0.00125; ESP Exome Variant Server 0.00361; gnomAD 0.00398; ExAC 0.00401; gnomAD exomes 0.00441.
gnomAD v4.1: 6,986 of 1,614,218 alleles (0.43%); highest among the groups gnomAD compares: Non-Finnish European, 0.47%; 34 homozygotes.

Submissions (2):

CeGaT Center for Human Genetics Tuebingen
Classification: Likely benign. Last evaluated: 2023-03-01. Review status: criteria provided, single submitter. Criteria: CeGaT Center For Human Genetics Tuebingen Variant Classification Criteria Version 2. Collection method: clinical testing. Allele origin: germline. Affected: yes. Observed: 2 variant alleles.
Comment: CRIM1: BP4, BP7, BS2

PreventionGenetics, part of Exact Sciences
Classification: Benign for CRIM1-related condition. Last evaluated: 2019-05-14. Review status: no assertion criteria provided. Collection method: clinical testing. Allele origin: germline. Not counted in ClinVar's aggregate classification.
Comment: This variant is classified as benign based on ACMG/AMP sequence variant interpretation guidelines (Richards et al. 2015 PMID: 25741868, with internal and published modifications).

NM_016441.3(CRIM1):c.2541C>A (p.Thr847=)

Gene: CRIM1 (cysteine rich transmembrane BMP regulator 1). Cytogenetic location: 2p22.2.
Variant type: single nucleotide variant.
Coding change: c.2541C>A on transcript NM_016441.3 (MANE Select); coding-DNA position 2541, C replaced by A.
Protein change: p.Thr847=; no amino-acid change (threonine 847 retained).
Molecular consequence: synonymous variant.
Genome position (GRCh38, 1-based): chr2:36,537,464, C>A. VCF-style: chr2-36537464-C-A. GRCh37 (hg19) VCF-style: chr2-36764607-C-A.
Other names: c.2541C>A (NM_016441.2).
Identifiers: ClinVar variation 2650825 (VCV002650825.25), dbSNP rs113863774, ClinGen allele CA1610555.